The following is an entry in ClinVar:

ClinVar aggregate classification (germline): Benign (0 of 4 stars; one submission).

Conditions:
DNMBP-related disorder. Also called: DNMBP-related condition.

Allele frequency attached by ClinVar (database versions not stated): ESP Exome Variant Server 0.00131; gnomAD 0.00204; TOPMed 0.00229; gnomAD exomes 0.00318; ExAC 0.00372; 1000 Genomes Project 30x 0.00406; 1000 Genomes Project 0.00439.
gnomAD v4.1: 4,917 of 1,610,134 alleles (0.31%); highest among the groups gnomAD compares: South Asian, 1.3%; 26 homozygotes.

Submission:

PreventionGenetics, part of Exact Sciences
Classification: Benign for DNMBP-related condition. Last evaluated: 2019-10-28. Review status: no assertion criteria provided. Collection method: clinical testing. Allele origin: germline.
Comment: This variant is classified as benign based on ACMG/AMP sequence variant interpretation guidelines (Richards et al. 2015 PMID: 25741868, with internal and published modifications).

NM_015221.4(DNMBP):c.2459C>T (p.Pro820Leu)

Gene: DNMBP (dynamin binding protein; minus strand). Cytogenetic location: 10q24.2.
Variant type: single nucleotide variant.
Coding change: c.2459C>T on transcript NM_015221.4 (MANE Select); coding-DNA position 2459, C replaced by T.
Protein change: p.Pro820Leu; replaces proline 820 with leucine.
Molecular consequence: missense variant.
Genome position (GRCh38, 1-based): chr10:99,908,090, G>A on the plus strand (C>T on the coding strand, the complement: DNMBP is on the minus strand). VCF-style: chr10-99908090-G-A. GRCh37 (hg19) VCF-style: chr10-101667847-G-A.
Other names: c.1355C>T, p.Pro452Leu (NM_001318326.2); c.197C>T, p.Pro66Leu (NM_001318327.2); short protein forms P108L, P452L, P820L, P66L.
Identifiers: ClinVar variation 3053441 (VCV003053441.2), dbSNP rs114927649, ClinGen allele CA5644913.